The following is an entry in ClinVar:

ClinVar aggregate classification (germline): Pathogenic. Review status: criteria provided, multiple submitters, no conflicts (2 of 4 stars). 3 submissions from 3 submitters: Pathogenic (2). 1 of the submissions does not count toward it. Last evaluated 2023-11-15.

Conditions:
Familial hypocalciuric hypercalcemia 1. Also called: Hypercalcemia, familial benign type 1. Identifiers: Orphanet 405, Orphanet 93372, MedGen C0342637, MONDO:0007791, OMIM 145980.
Familial hypocalciuric hypercalcemia (FHH). Also called: Familial benign hypercalcemia. Identifiers: Orphanet 405, MedGen C1809471, MONDO:0018458.
Autosomal dominant hypocalcemia 1 (HYPOC1). Also called: HYPOCALCEMIA, FAMILIAL. Identifiers: MedGen C3715128, MONDO:0011013, OMIM 601198.
Nephrolithiasis/nephrocalcinosis. Identifiers: MedGen CN580796.

Allele frequency attached by ClinVar (database versions not stated): gnomAD exomes below 0.00001.
gnomAD v4.1: 1 of 1,613,700 alleles (0.000062%); no homozygotes.

Submissions (3):

Labcorp Genetics (formerly Invitae), Labcorp
Classification: Pathogenic for Familial hypocalciuric hypercalcemia; Autosomal dominant hypocalcemia 1. Last evaluated: 2023-11-15. Review status: criteria provided, single submitter. Criteria: Invitae Variant Classification Sherloc (09022015). Collection method: clinical testing. Allele origin: germline.
Comment: This sequence change affects an acceptor splice site in intron 2 of the CASR gene. It is expected to disrupt RNA splicing. Variants that disrupt the donor or acceptor splice site typically lead to a loss of protein function (PMID: 16199547), and loss-of-function variants in CASR are known to be pathogenic (PMID: 11807402, 14985373, 22422767). This variant is not present in population databases (gnomAD no frequency). Disruption of this splice site has been observed in individual(s) with hypocalciuric hypercalcemia (PMID: 11668634). ClinVar contains an entry for this variant (Variation ID: 8342). Studies have shown that disruption of this splice site alters mRNA splicing and is expected to lead to the loss of protein expression (PMID: 11668634). For these reasons, this variant has been classified as Pathogenic.

Ambry Genetics
Classification: Pathogenic for Nephrolithiasis/nephrocalcinosis. Last evaluated: 2018-12-04. Review status: criteria provided, single submitter. Criteria: Ambry Variant Classification Scheme 2023. Collection method: clinical testing. Allele origin: germline.
Comment: The c.186-1G>T intronic pathogenic mutation results from a G to T substitution one nucleotide upstream from coding exon 2 of the CASR gene. This mutation was detected in two family members with familial hypocalciuric hypercalcemia (FHH) and was not present in two unaffected individuals in the same family. Furthermore, functional studies performed at the RNA level showed that this mutation results in the skipping of exon 3 causing a frameshift that results in a premature stop codon leading to a predicted truncated protein of 153 amino acids (D'Souza-Li L et al. Hum. Mutat., 2001 Nov;18:411-21). In addition to the clinical data presented in the literature, alterations that disrupt the canonical splice site are expected to cause aberrant splicing, resulting in an abnormal protein or a transcript that is subject to nonsense-mediated mRNA decay. As such, this alteration is classified as a disease-causing mutation.

OMIM
Classification: Pathogenic for HYPOCALCIURIC HYPERCALCEMIA, FAMILIAL, TYPE I. Last evaluated: 2001-11-01. Review status: no assertion criteria provided. Collection method: literature only. Allele origin: germline. Not counted in ClinVar's aggregate classification.

Literature cited by the submitters: PubMed 16199547 (cited by Labcorp Genetics (formerly Invitae), Labcorp); PubMed 11807402 (cited by Labcorp Genetics (formerly Invitae), Labcorp); PubMed 14985373 (cited by Labcorp Genetics (formerly Invitae), Labcorp); PubMed 22422767 (cited by Labcorp Genetics (formerly Invitae), Labcorp); PubMed 11668634 (cited by 3 submitters); PubMed 18887540 (cited by OMIM); PubMed 14089114 (cited by OMIM); PubMed 3966479 (cited by OMIM).

NM_000388.4(CASR):c.186-1G>T

Gene: CASR (calcium sensing receptor; plus strand). Cytogenetic location: 3q21.1.
Variant type: single nucleotide variant.
Coding change: c.186-1G>T on transcript NM_000388.4 (MANE Select); the canonical splice acceptor site of the intron before coding-DNA position 186, G replaced by T.
Molecular consequence: splice acceptor variant.
Genome position (GRCh38, 1-based): chr3:122,257,080, G>T. VCF-style: chr3-122257080-G-T. GRCh37 (hg19) VCF-style: chr3-121975927-G-T.
Other names: IVS2AS, G-T, -1; c.186-1G>T (NM_001178065.2).
Identifiers: ClinVar variation 8342 (VCV000008342.12), dbSNP rs797044441, ClinGen allele CA212893.